The following is an entry in ClinVar:

NM_001379200.1(TBX1):c.839C>T (p.Thr280Ile)

Gene: TBX1 (T-box transcription factor 1; plus strand). Cytogenetic location: 22q11.21.
Variant type: single nucleotide variant.
Coding change: c.839C>T on transcript NM_001379200.1 (MANE Select); coding-DNA position 839, C replaced by T.
Protein change: p.Thr280Ile; replaces threonine 280 with isoleucine.
Molecular consequence: missense variant.
Genome position (GRCh38, 1-based): chr22:19,765,085, C>T. VCF-style: chr22-19765085-C-T. GRCh37 (hg19) VCF-style: chr22-19752608-C-T.
Other names: c.812C>T, p.Thr271Ile (NM_005992.1, NM_080646.2, NM_080647.1); short protein forms T271I, T280I.
Identifiers: ClinVar variation 3371265 (VCV003371265.1).
Genomic context (GRCh38, chr22:19,765,085, plus strand): 5'-ATAGCGAGAAATATGCCGAGGAGAACTTCAAAACCTTTGTGTTCGAGGAGACACGATTCA[C>T]CGCGGTCACTGCCTACCAGAACCATCGGGTGAGGGCCTGTGGGGAGGACCTGAGCGGATT-3'
Protein context (NP_001366129.1, residues 270-290): KTFVFEETRF[Thr280Ile]AVTAYQNHRI

ClinVar aggregate classification (germline): Uncertain significance (1 of 4 stars; one submission).

gnomAD v4.1: 4 of 1,614,228 alleles (0.00025%); highest among the groups gnomAD compares: South Asian, 0.0033%; no homozygotes.

Submission:

GeneDx
Classification: Uncertain significance. Last evaluated: 2024-03-24. Review status: criteria provided, single submitter. Criteria: GeneDx Variant Classification Process June 2021. Collection method: clinical testing. Allele origin: germline. Affected: yes.
Comment: Has not been previously published as pathogenic or benign to our knowledge; Not observed at significant frequency in large population cohorts (gnomAD); In silico analysis supports that this missense variant has a deleterious effect on protein structure/function